The following is an entry in ClinVar:

ClinVar aggregate classification (germline): Uncertain significance. Review status: criteria provided, multiple submitters, no conflicts (2 of 4 stars). 2 submissions from 2 submitters: Uncertain significance (2). Last evaluated 2024-05-18.

Conditions:
Mosaic variegated aneuploidy syndrome 1 (MVA1). Also called: Warburton-Anyane-Yeboa syndrome. Identifiers: Orphanet 1052, MedGen C1850343, MONDO:0009759, OMIM 257300.
Inborn genetic diseases. Identifiers: MedGen C0950123, MeSH D030342.

Submissions (2):

Ambry Genetics
Classification: Uncertain significance for Inborn genetic diseases. Last evaluated: 2024-05-18. Review status: criteria provided, single submitter. Criteria: Ambry Variant Classification Scheme 2023. Collection method: clinical testing. Allele origin: germline.
Comment: The p.K304R variant (also known as c.911A>G), located in coding exon 7 of the BUB1B gene, results from an A to G substitution at nucleotide position 911. The lysine at codon 304 is replaced by arginine, an amino acid with highly similar properties. This amino acid position is conserved. In addition, this alteration is predicted to be tolerated by in silico analysis. Since supporting evidence is limited at this time, the clinical significance of this alteration remains unclear.

Labcorp Genetics (formerly Invitae), Labcorp
Classification: Uncertain significance for Mosaic variegated aneuploidy syndrome 1. Last evaluated: 2021-01-21. Review status: criteria provided, single submitter. Criteria: Invitae Variant Classification Sherloc (09022015). Collection method: clinical testing. Allele origin: germline.
Comment: In summary, the available evidence is currently insufficient to determine the role of this variant in disease. Therefore, it has been classified as a Variant of Uncertain Significance. Algorithms developed to predict the effect of missense changes on protein structure and function are either unavailable or do not agree on the potential impact of this missense change (SIFT: "Tolerated"; PolyPhen-2: "Probably Damaging"; Align-GVGD: "Class C0"). This variant has not been reported in the literature in individuals with BUB1B-related conditions. This variant is not present in population databases (ExAC no frequency). This sequence change replaces lysine with arginine at codon 304 of the BUB1B protein (p.Lys304Arg). The lysine residue is highly conserved and there is a small physicochemical difference between lysine and arginine.

NM_001211.6(BUB1B):c.911A>G (p.Lys304Arg)

Gene: BUB1B (BUB1 mitotic checkpoint serine/threonine kinase B; plus strand). Cytogenetic location: 15q15.1.
Variant type: single nucleotide variant.
Coding change: c.911A>G on transcript NM_001211.6 (MANE Select); coding-DNA position 911, A replaced by G.
Protein change: p.Lys304Arg; replaces lysine 304 with arginine.
Molecular consequence: missense variant.
Genome position (GRCh38, 1-based): chr15:40,185,324, A>G. VCF-style: chr15-40185324-A-G. GRCh37 (hg19) VCF-style: chr15-40477525-A-G.
Other names: short protein forms K304R.
Identifiers: ClinVar variation 1498634 (VCV001498634.11), dbSNP rs2140890830, ClinGen allele CA391684622.